The following is an entry in ClinVar:

NM_000051.4(ATM):c.2498G>A (p.Gly833Glu)

Gene: ATM (ATM serine/threonine kinase; plus strand). Cytogenetic location: 11q22.3.
Variant type: single nucleotide variant.
Coding change: c.2498G>A on transcript NM_000051.4 (MANE Select); coding-DNA position 2498, G replaced by A.
Protein change: p.Gly833Glu; replaces glycine 833 with glutamic acid.
Molecular consequence: missense variant.
Genome position (GRCh38, 1-based): chr11:108,267,202, G>A. VCF-style: chr11-108267202-G-A. GRCh37 (hg19) VCF-style: chr11-108137929-G-A.
Other names: c.2498G>A, p.Gly833Glu (NM_001351834.2); short protein forms G833E.
Identifiers: ClinVar variation 821388 (VCV000821388.4), dbSNP rs552010421, ClinGen allele CA382543287.

ClinVar aggregate classification (germline): Uncertain significance (1 of 4 stars; one submission).

Conditions:
Hereditary cancer-predisposing syndrome. Also called: Neoplastic Syndromes, Hereditary; Tumor predisposition; Hereditary Cancer Syndrome; Hereditary neoplastic syndrome. Identifiers: Orphanet 140162, MedGen C0027672, MeSH D009386, MONDO:0015356.

gnomAD v4.1: 2 of 1,614,144 alleles (0.00012%); highest among the groups gnomAD compares: South Asian, 0.0011%; no homozygotes.

Submission:

Ambry Genetics
Classification: Uncertain significance for Hereditary cancer-predisposing syndrome. Last evaluated: 2019-04-24. Review status: criteria provided, single submitter. Criteria: Ambry Variant Classification Scheme 2023. Collection method: clinical testing. Allele origin: germline.
Comment: The p.G833E variant (also known as c.2498G>A), located in coding exon 16 of the ATM gene, results from a G to A substitution at nucleotide position 2498. The glycine at codon 833 is replaced by glutamic acid, an amino acid with similar properties. This amino acid position is well conserved in available vertebrate species. In addition, this alteration is predicted to be tolerated by in silico analysis. Since supporting evidence is limited at this time, the clinical significance of this alteration remains unclear.